The following is an entry in ClinVar:

ClinVar aggregate classification (germline): Uncertain significance. Review status: criteria provided, multiple submitters, no conflicts (2 of 4 stars). 2 submissions from 2 submitters: Uncertain significance (2). Last evaluated 2025-07-29.

Allele frequency attached by ClinVar (database versions not stated): ExAC 0.00001; gnomAD 0.00001; gnomAD exomes 0.00001; TOPMed 0.00001.
gnomAD v4.1: 22 of 1,613,440 alleles (0.0014%); highest among the groups gnomAD compares: Non-Finnish European, 0.0016%; no homozygotes.

Submissions (2):

Labcorp Genetics (formerly Invitae), Labcorp
Classification: Uncertain significance. Last evaluated: 2025-07-29. Review status: criteria provided, single submitter. Criteria: Invitae Variant Classification Sherloc (09022015). Collection method: clinical testing. Allele origin: germline.
Comment: This sequence change replaces glycine, which is neutral and non-polar, with arginine, which is basic and polar, at codon 1641 of the KIAA1549 protein (p.Gly1641Arg). This variant is present in population databases (rs770015513, gnomAD 0.002%). This variant has not been reported in the literature in individuals affected with KIAA1549-related conditions. ClinVar contains an entry for this variant (Variation ID: 1004558). An algorithm developed to predict the effect of missense changes on protein structure and function (PolyPhen-2) suggests that this variant is likely to be disruptive. In summary, the available evidence is currently insufficient to determine the role of this variant in disease. Therefore, it has been classified as a Variant of Uncertain Significance.

Blueprint Genetics
Classification: Uncertain significance. Last evaluated: 2022-03-16. Review status: criteria provided, single submitter. Criteria: ACMG Guidelines, 2015. Collection method: clinical testing. Allele origin: germline.

NM_001164665.2(KIAA1549):c.4921G>A (p.Gly1641Arg)

Gene: KIAA1549 (KIAA1549; minus strand). Cytogenetic location: 7q34.
Variant type: single nucleotide variant.
Coding change: c.4921G>A on transcript NM_001164665.2 (MANE Select); coding-DNA position 4921, G replaced by A.
Protein change: p.Gly1641Arg; replaces glycine 1641 with arginine.
Molecular consequence: missense variant.
Genome position (GRCh38, 1-based): chr7:138,867,983, C>T on the plus strand (G>A on the coding strand, the complement: KIAA1549 is on the minus strand). VCF-style: chr7-138867983-C-T. GRCh37 (hg19) VCF-style: chr7-138552729-C-T.
Other names: c.4921G>A, p.Gly1641Arg (NM_020910.3); short protein forms G1641R.
Identifiers: ClinVar variation 1004558 (VCV001004558.9), dbSNP rs770015513, ClinGen allele CA4505720.